The following is an entry in ClinVar:

ClinVar aggregate classification (germline): Benign (1 of 4 stars; one submission).

Conditions:
Factor XIII, A subunit, deficiency of. Also called: Factor XIII subunit A deficiency. Identifiers: Orphanet 331, MedGen C2750514, MONDO:0013187, OMIM 613225, HP:0040233.

Allele frequency attached by ClinVar (database versions not stated): gnomAD 0.04336 and 0.04625; 1000 Genomes Project 0.04872; TOPMed 0.04951; 1000 Genomes Project 30x 0.05418.

Submission:

Illumina Laboratory Services, Illumina
Classification: Benign for Factor XIII, A subunit, deficiency of. Last evaluated: 2018-01-13. Review status: criteria provided, single submitter. Criteria: ICSL Variant Classification Criteria 13 December 2019. Collection method: clinical testing. Allele origin: germline.
Comment: This variant was observed in the ICSL laboratory as part of a predisposition screen in an ostensibly healthy population. It had not been previously curated by ICSL or reported in the Human Gene Mutation Database (HGMD: prior to June 1st, 2018), and was therefore a candidate for classification through an automated scoring system. Utilizing variant allele frequency, disease prevalence and penetrance estimates, and inheritance mode, an automated score was calculated to assess if this variant is too frequent to cause the disease. Based on the score and internal cut-off values, a variant classified as benign is not then subjected to further curation. The score for this variant resulted in a classification of benign for this disease.

NM_000129.4(F13A1):c.*743G>A

Gene: F13A1 (coagulation factor XIII A chain; minus strand). Cytogenetic location: 6p25.1.
Variant type: single nucleotide variant.
Coding change: c.*743G>A on transcript NM_000129.4 (MANE Select); 743 bases downstream of the stop codon, G replaced by A.
Molecular consequence: 3 prime UTR variant.
Genome position (GRCh38, 1-based): chr6:6,144,876, C>T on the plus strand (G>A on the coding strand, the complement: F13A1 is on the minus strand). VCF-style: chr6-6144876-C-T. GRCh37 (hg19) VCF-style: chr6-6145109-C-T.
Identifiers: ClinVar variation 357653 (VCV000357653.5), dbSNP rs12862, ClinGen allele CA10627387.